The following is an entry in ClinVar:

NM_002049.4(GATA1):c.646C>T (p.Arg216Trp)

Gene: GATA1 (GATA binding protein 1; plus strand). Cytogenetic location: Xp11.23.
Variant type: single nucleotide variant.
Coding change: c.646C>T on transcript NM_002049.4 (MANE Select); coding-DNA position 646, C replaced by T.
Protein change: p.Arg216Trp; replaces arginine 216 with tryptophan.
Molecular consequence: missense variant.
Genome position (GRCh38, 1-based): chrX:48,792,370, C>T. VCF-style: chrX-48792370-C-T. GRCh37 (hg19) VCF-style: chrX-48650777-C-T.
Other names: R216W.
Identifiers: ClinVar variation 31943 (VCV000031943.12), dbSNP rs387907207, ClinGen allele CA342811.

ClinVar aggregate classification (germline): Likely pathogenic. Review status: criteria provided, multiple submitters, no conflicts (2 of 4 stars). 9 submissions from 8 submitters: Likely pathogenic (6). 3 of the submissions do not count toward it. Last evaluated 2026-04-16.

Conditions:
GATA1-related disorder. Also called: GATA1-related condition.
Diamond-Blackfan anemia. Also called: Blackfan Diamond syndrome; Aregenerative anemia chronic congenital; Red cell aplasia, pure hereditary; Congenital hypoplastic anemia; Aase syndrome. Identifiers: Orphanet 124, MedGen C1260899, MeSH D029503, MONDO:0015253, HP:0004810.
GATA binding protein 1 related thrombocytopenia with dyserythropoiesis. Also called: GATA1-Related X-Linked Cytopenia; GATA1-Related Cytopenia. Identifiers: MedGen C1845837, MONDO:0100089.
Thrombocytopenia, X-linked, with or without dyserythropoietic anemia (XLTDA). Identifiers: Orphanet 67044, MedGen C3550789, MONDO:0010308, OMIM 300367.
X-linked dyserythropoetic anemia with abnormal platelets and neutropenia. Also called: ANEMIA, X-LINKED, WITH OR WITHOUT NEUTROPENIA AND/OR PLATELET ABNORMALITIES. Identifiers: Orphanet 363727, MedGen C3550856, MONDO:0010444, OMIM 300835.
Beta-thalassemia-X-linked thrombocytopenia syndrome. Also called: THROMBOCYTOPENIA WITH BETA-THALASSEMIA, X-LINKED. Identifiers: Orphanet 231393, MedGen C1839161, MONDO:0010745, OMIM 314050.
Congenital erythropoietic porphyria. Also called: GUNTHER DISEASE; Porphyria, Erythropoietic; UROS DEFICIENCY; Congenital porphyria; Günther disease; Uroporphyrinogen III synthase, deficiency of. Identifiers: Orphanet 79277, MedGen C5886774, MONDO:0009902, OMIM 263700.

Submissions (9):

Department of Pediatrics, Faculty of Medicine, Zagazig University
Classification: Likely pathogenic for Thrombocytopenia, X-linked, with or without dyserythropoietic anemia. Last evaluated: 2026-04-16. Review status: criteria provided, single submitter. Criteria: Gohary et al. (Pediatr Nephrol. 2026). Collection method: clinical testing. Allele origin: germline. Inheritance: X-linked inheritance. Affected: yes. Observed: 1 variant allele, 1 hemizygote.
Comment: The variant affects codon Arg216 within the C-terminal zinc finger domain of GATA1. Similar variants at the same codon have been reported in association with X-linked thrombocytopenia and dyserythropoietic anemia.

3billion
Classification: Likely pathogenic for Thrombocytopenia, X-linked, with or without dyserythropoietic anemia. Last evaluated: 2026-01-05. Review status: criteria provided, single submitter. Criteria: ACMG Guidelines, 2015. Collection method: clinical testing. Allele origin: germline. Affected: yes.
Comment: The variant is not observed in the gnomAD v4.1.0 dataset. Predicted Consequence/Location: Missense variant In silico tool predictions suggest damaging effect of the variant on gene or gene product [REVEL: 0.90 (>=0.6, sensitivity 0.68 and specificity 0.92); 3Cnet: 0.99 (> 0.75, sensitivity 0.96 and precision 0.92)]. The same nucleotide change resulting in the same amino acid change has been previously reported as pathogenic/likely pathogenic with strong evidence (ClinVar ID: VCV000031943 /PMID: 17148589). A different missense change at the same codon (p.Arg216Gln) has been reported as pathogenic/likely pathogenic with strong evidence (ClinVar ID: VCV000010428 /PMID: 11809723). Therefore, this variant is classified as Likely pathogenic according to the recommendation of ACMG/AMP guideline.

Labcorp Genetics (formerly Invitae), Labcorp
Classification: Likely pathogenic for GATA binding protein 1 related thrombocytopenia with dyserythropoiesis; Diamond-Blackfan anemia. Last evaluated: 2024-12-04. Review status: criteria provided, single submitter. Criteria: Invitae Variant Classification Sherloc (09022015). Collection method: clinical testing. Allele origin: germline.
Comment: This sequence change replaces arginine, which is basic and polar, with tryptophan, which is neutral and slightly polar, at codon 216 of the GATA1 protein (p.Arg216Trp). This variant is not present in population databases (gnomAD no frequency). This missense change has been observed in individual(s) with congenital erythropoietic porphyria (PMID: 17148589, 25251786). ClinVar contains an entry for this variant (Variation ID: 31943). Invitae Evidence Modeling of protein sequence and biophysical properties (such as structural, functional, and spatial information, amino acid conservation, physicochemical variation, residue mobility, and thermodynamic stability) has been performed for this missense variant. However, the output from this modeling did not meet the statistical confidence thresholds required to predict the impact of this variant on GATA1 protein function. Experimental studies are conflicting or provide insufficient evidence to determine the effect of this variant on GATA1 function (PMID: 23704091). In summary, the currently available evidence indicates that the variant is pathogenic, but additional data are needed to prove that conclusively. Therefore, this variant has been classified as Likely Pathogenic.

Genomic Medicine Center of Excellence, King Faisal Specialist Hospital and Research Centre
Classification: Likely pathogenic for X-linked dyserythropoetic anemia with abnormal platelets and neutropenia. Last evaluated: 2024-03-29. Review status: criteria provided, single submitter. Criteria: ACMG Guidelines, 2015. Collection method: clinical testing. Allele origin: germline.

PreventionGenetics, part of Exact Sciences
Classification: Likely pathogenic for GATA1-related condition. Last evaluated: 2023-08-08. Review status: criteria provided, single submitter. Criteria: ACMG Guidelines, 2015. Collection method: clinical testing. Allele origin: germline.
Comment: The GATA1 c.646C>T variant is predicted to result in the amino acid substitution p.Arg216Trp. This variant was reported in three unrelated male individuals with congenital erythropoietic porphyria, with moderate thrombocytopenia with minimal or no anemia observed in some of the related carrier females (Phillips. 2007. PubMed ID: 17148589; Di Pierro. 2014. PubMed ID: 25251786). This variant has not been reported in a large population database, indicating this variant is rare. This variant is interpreted as likely pathogenic.

GeneDx
Classification: Likely pathogenic. Last evaluated: 2022-03-25. Review status: criteria provided, single submitter. Criteria: GeneDx Variant Classification Process June 2021. Collection method: clinical testing. Allele origin: germline. Affected: yes.
Comment: Not observed at significant frequency in large population cohorts (gnomAD); In silico analysis supports that this missense variant has a deleterious effect on protein structure/function; This variant is associated with the following publications: (PMID: 26234528, 12200364, 19268002, 23704091, 28550189, 25251786, 17148589, 26392207)

OMIM
Classification: Pathogenic for THROMBOCYTOPENIA WITH BETA-THALASSEMIA, X-LINKED. Last evaluated: 2007-03-15. Review status: no assertion criteria provided. Collection method: literature only. Allele origin: germline. Not counted in ClinVar's aggregate classification.

GeneReviews
No classification provided. Condition: Thrombocytopenia, X-linked, with or without dyserythropoietic anemia. Review status: no classification provided. Collection method: literature only. Allele origin: germline. Not counted in ClinVar's aggregate classification.

GeneReviews
No classification provided. Condition: Congenital erythropoietic porphyria. Review status: no classification provided. Collection method: literature only. Allele origin: germline. Not counted in ClinVar's aggregate classification.

Literature cited by the submitters: PubMed 17148589 (cited by 3 submitters); PubMed 11809723 (cited by 3billion); PubMed 25251786 (cited by Labcorp Genetics (formerly Invitae), Labcorp); PubMed 23704091 (cited by Labcorp Genetics (formerly Invitae), Labcorp); PubMed 12200364 (cited by OMIM); NCBI Bookshelf NBK1364 (cited by GeneReviews); PubMed 20301538 (cited by GeneReviews); NCBI Bookshelf NBK154652 (cited by GeneReviews).